The following is an entry in ClinVar:

ClinVar aggregate classification (germline): Pathogenic/Likely pathogenic. Review status: criteria provided, multiple submitters, no conflicts (2 of 4 stars). 2 submissions from 2 submitters: Pathogenic (1); Likely pathogenic (1). Last evaluated 2020-03-02.

Conditions:
Marfan syndrome (MFS). Also called: MARFAN SYNDROME, TYPE I; FBN1-Related Marfan Syndrome; Marfan syndrome, classic; Marfan syndrome type 1; Marfan's syndrome. Identifiers: Orphanet 284963, Orphanet 558, MedGen C0024796, MONDO:0007947, OMIM 154700.
Familial thoracic aortic aneurysm and aortic dissection (TAAD). Also called: Thoracic aortic aneurysms and dissections. Identifiers: Orphanet 91387, MedGen C4707243, MONDO:0019625.

Submissions (2):

Labcorp Genetics (formerly Invitae), Labcorp
Classification: Pathogenic for Marfan syndrome; Familial thoracic aortic aneurysm and aortic dissection. Last evaluated: 2020-03-02. Review status: criteria provided, single submitter. Criteria: Invitae Variant Classification Sherloc (09022015). Collection method: clinical testing. Allele origin: germline.
Comment: This sequence change falls in intron 65 of the FBN1 gene. It does not directly change the encoded amino acid sequence of the FBN1 protein, but it affects a nucleotide within the consensus splice site of the intron. This variant is not present in population databases (ExAC no frequency). This variant has been reported in individuals affected with Marfan syndrome or aortic dilatation, being described as de novo in two of them (PMID: 27884935, Invitae). ClinVar contains an entry for this variant (Variation ID: 200129). Nucleotide substitutions within the consensus splice site are a relatively common cause of aberrant splicing (PMID: 17576681, 9536098). Algorithms developed to predict the effect of sequence changes on RNA splicing suggest that this variant may disrupt the consensus splice site, but this prediction has not been confirmed by published transcriptional studies. For these reasons, this variant has been classified as Pathogenic.

ARUP Laboratories, Molecular Genetics and Genomics, ARUP Laboratories
Classification: Likely pathogenic. Last evaluated: 2019-11-11. Review status: criteria provided, single submitter. Criteria: ARUP Molecular Germline Variant Investigation Process. Collection method: clinical testing. Allele origin: germline.
Comment: The FBN1 c.8226+5G>A variant (rs193922243) is reported in the literature in an individual affected with Marfan syndrome (Miller 2017). Familial testing of the affected individual did not find the variant in either parent, suggesting a de novo origin in this individual (Miller 2017). This variant is absent from general population databases (Exome Variant Server, Genome Aggregation Database), indicating it is not a common polymorphism. This is an intronic variant in a moderately conserved nucleotide, and computational analyses (Alamut v.2.11) predict that this variant may impact splicing by weakening the nearby canonical donor splice site. Based on available information, this variant is considered to be likely pathogenic. References: Miller KA et al. Diagnostic value of exome and whole genome sequencing in craniosynostosis. J Med Genet. 2017 Apr;54(4):260-268.

Literature cited by the submitters: PubMed 27884935 (cited by Labcorp Genetics (formerly Invitae), Labcorp); PubMed 17576681 (cited by Labcorp Genetics (formerly Invitae), Labcorp); PubMed 9536098 (cited by Labcorp Genetics (formerly Invitae), Labcorp).

NM_000138.5(FBN1):c.8226+5G>A

Gene: FBN1 (fibrillin 1; minus strand). Cytogenetic location: 15q21.1.
Variant type: single nucleotide variant.
Coding change: c.8226+5G>A on transcript NM_000138.5 (MANE Select); 5 bases into the intron after coding-DNA position 8226, G replaced by A.
Molecular consequence: intron variant.
Genome position (GRCh38, 1-based): chr15:48,412,564, C>T on the plus strand (G>A on the coding strand, the complement: FBN1 is on the minus strand). VCF-style: chr15-48412564-C-T. GRCh37 (hg19) VCF-style: chr15-48704761-C-T.
Identifiers: ClinVar variation 200129 (VCV000200129.17), dbSNP rs193922243, ClinGen allele CA017638.